The following is an entry in ClinVar:

NM_001035.3(RYR2):c.12219T>C (p.Asp4073=)

Gene: RYR2 (ryanodine receptor 2; plus strand). Cytogenetic location: 1q43.
Variant type: single nucleotide variant.
Coding change: c.12219T>C on transcript NM_001035.3 (MANE Select); coding-DNA position 12219, T replaced by C.
Protein change: p.Asp4073=; no amino-acid change (aspartic acid 4073 retained).
Molecular consequence: synonymous variant.
Genome position (GRCh38, 1-based): chr1:237,783,931, T>C. VCF-style: chr1-237783931-T-C. GRCh37 (hg19) VCF-style: chr1-237947231-T-C.
Other names: c.12219T>C, p.Asp4073= (LRG_402t1).
Identifiers: ClinVar variation 507845 (VCV000507845.3), dbSNP rs1442422047, ClinGen allele CA424031969.
Genomic context (GRCh38, chr1:237,783,931, plus strand): 5'-GAGCCATAAGCACTACACGCAGTCAGAAACGGAATTTCTTTTGTCTTGTGCGGAGACGGA[T>C]GAGAATGAAACCCTCGACTACGAAGAGTTCGTCAAACGCTTCCACGAACCTGCGAAGGAC-3'
Protein context (NP_001026.2, residues 4063-4083): TEFLLSCAET[Asp4073=]ENETLDYEEF

ClinVar aggregate classification (germline): Likely benign. Review status: criteria provided, multiple submitters, no conflicts (2 of 4 stars). 2 submissions from 2 submitters: Likely benign (2). Last evaluated 2021-06-28.

Conditions:
Cardiomyopathy (CMYO). Also called: Cardiomyopathies. Identifiers: Orphanet 167848, MedGen C0878544, MONDO:0004994, HP:0001638. Inheritance: Various modes of inheritance.

Allele frequency attached by ClinVar (database versions not stated): gnomAD exomes below 0.00001; TOPMed 0.00001.
gnomAD v4.1: 3 of 1,613,482 alleles (0.00019%); highest among the groups gnomAD compares: Non-Finnish European, 0.00025%; no homozygotes.

Submissions (2):

Color Diagnostics, LLC DBA Color Health
Classification: Likely benign for Cardiomyopathy. Last evaluated: 2021-06-28. Review status: criteria provided, single submitter. Criteria: ACMG Guidelines, 2015. Collection method: clinical testing. Allele origin: germline.

GeneDx
Classification: Likely benign. Last evaluated: 2017-03-09. Review status: criteria provided, single submitter. Criteria: GeneDx Variant Classification (06012015). Collection method: clinical testing. Allele origin: germline. Affected: yes.
Comment: This variant is considered likely benign or benign based on one or more of the following criteria: it is a conservative change, it occurs at a poorly conserved position in the protein, it is predicted to be benign by multiple in silico algorithms, and/or has population frequency not consistent with disease.